The following is an entry in ClinVar:

NM_000372.5(TYR):c.326G>A (p.Gly109Glu)

Gene: TYR (tyrosinase; plus strand). Cytogenetic location: 11q14.3.
Variant type: single nucleotide variant.
Coding change: c.326G>A on transcript NM_000372.5 (MANE Select); coding-DNA position 326, G replaced by A.
Protein change: p.Gly109Glu; replaces glycine 109 with glutamic acid.
Molecular consequence: missense variant.
Genome position (GRCh38, 1-based): chr11:89,178,279, G>A. VCF-style: chr11-89178279-G-A. GRCh37 (hg19) VCF-style: chr11-88911447-G-A.
Other names: short protein forms G109E.
Identifiers: ClinVar variation 4913501 (VCV004913501.2).

ClinVar aggregate classification (germline): Uncertain significance. Review status: criteria provided, multiple submitters, no conflicts (2 of 4 stars). 2 submissions from 2 submitters: Uncertain significance (2). Last evaluated 2026-06-19.

Conditions:
Oculocutaneous albinism type 1. Also called: Albinism 1; ALBINISM I. Identifiers: Orphanet 352731, MedGen C0268494, MONDO:0018135. Disease mechanism: loss of function.

gnomAD v4.1: 9 of 1,614,054 alleles (0.00056%); highest among the groups gnomAD compares: African/African-American, 0.0027%; no homozygotes.

Submissions (2):

Myriad Genetics, Inc.
Classification: Uncertain significance for Oculocutaneous albinism type 1. Last evaluated: 2026-06-19. Review status: criteria provided, single submitter. Criteria: Myriad Autosomal Dominant, Autosomal Recessive and X-Linked Classification Criteria (2023). Collection method: clinical testing. Allele origin: unknown.
Comment: NM_000372.4(TYR):c.326G>A(G109E) is a missense variant classified as a variant of uncertain significance in the context of oculocutaneous albinism, TYR-related. G109E has not been observed in cases with relevant disease. Relevant functional assessments of this variant are not available in the literature. G109E has been observed in referenced population frequency databases. In summary, there is insufficient evidence to classify NM_000372.4(TYR):c.326G>A(G109E) as pathogenic or benign. Please note: this variant was assessed in the context of healthy population screening.

Blueprint Genetics
Classification: Uncertain significance. Last evaluated: 2020-11-26. Review status: criteria provided, single submitter. Criteria: ACMG Guidelines, 2015. Collection method: clinical testing. Allele origin: germline.